The following is an entry in ClinVar:

ClinVar aggregate classification (germline): Uncertain significance. Review status: criteria provided, multiple submitters, no conflicts (2 of 4 stars). 2 submissions from 2 submitters: Uncertain significance (2). Last evaluated 2024-03-28.

Allele frequency attached by ClinVar (database versions not stated): gnomAD 0.00001.
gnomAD v4.1: 4 of 1,504,704 alleles (0.00027%); highest among the groups gnomAD compares: East Asian, 0.0025%; no homozygotes.

Submissions (2):

Labcorp Genetics (formerly Invitae), Labcorp
Classification: Uncertain significance. Last evaluated: 2024-03-28. Review status: criteria provided, single submitter. Criteria: Invitae Variant Classification Sherloc (09022015). Collection method: clinical testing. Allele origin: germline.
Comment: This sequence change replaces threonine, which is neutral and polar, with proline, which is neutral and non-polar, at codon 306 of the BUB1 protein (p.Thr306Pro). This variant is not present in population databases (gnomAD no frequency). This variant has not been reported in the literature in individuals affected with BUB1-related conditions. In summary, the available evidence is currently insufficient to determine the role of this variant in disease. Therefore, it has been classified as a Variant of Uncertain Significance.

Ambry Genetics
Classification: Uncertain significance. Last evaluated: 2024-01-29. Review status: criteria provided, single submitter. Criteria: Ambry Variant Classification Scheme 2023. Collection method: clinical testing. Allele origin: germline.

NM_004336.5(BUB1):c.916A>C (p.Thr306Pro)

Gene: BUB1 (BUB1 mitotic checkpoint serine/threonine kinase; minus strand). Cytogenetic location: 2q13.
Variant type: single nucleotide variant.
Coding change: c.916A>C on transcript NM_004336.5 (MANE Select); coding-DNA position 916, A replaced by C.
Protein change: p.Thr306Pro; replaces threonine 306 with proline.
Molecular consequence: missense variant.
Genome position (GRCh38, 1-based): chr2:110,666,304, T>G on the plus strand (A>C on the coding strand, the complement: BUB1 is on the minus strand). VCF-style: chr2-110666304-T-G. GRCh37 (hg19) VCF-style: chr2-111423881-T-G.
Other names: c.856A>C, p.Thr286Pro (NM_001278616.2); c.916A>C, p.Thr306Pro (NM_001278617.2); short protein forms T306P, T286P.
Identifiers: ClinVar variation 3135597 (VCV003135597.3), dbSNP rs1163922652, ClinGen allele CA348216390.